The following is an entry in ClinVar:

NM_000744.7(CHRNA4):c.1758+11C>T

Gene: CHRNA4 (cholinergic receptor nicotinic alpha 4 subunit; minus strand). Cytogenetic location: 20q13.33.
Variant type: single nucleotide variant.
Coding change: c.1758+11C>T on transcript NM_000744.7 (MANE Select); 11 bases into the intron after coding-DNA position 1758, C replaced by T.
Molecular consequence: intron variant.
Genome position (GRCh38, 1-based): chr20:63,349,642, G>A on the plus strand (C>T on the coding strand, the complement: CHRNA4 is on the minus strand). VCF-style: chr20-63349642-G-A. GRCh37 (hg19) VCF-style: chr20-61980994-G-A.
Other names: c.1230+11C>T (NM_001256573.2).
Identifiers: ClinVar variation 136762 (VCV000136762.15), dbSNP rs45442394, ClinGen allele CA290089.

ClinVar aggregate classification (germline): Benign. Review status: criteria provided, multiple submitters, no conflicts (2 of 4 stars). 4 submissions from 4 submitters: Benign (4). Last evaluated 2026-02-03.

Conditions:
Familial sleep-related hypermotor epilepsy. Also called: Autosomal Dominant Sleep-Related Hypermotor (Hyperkinetic) Epilepsy. Identifiers: Orphanet 98784, MedGen C3696898, MONDO:0000030.

Allele frequency attached by ClinVar (database versions not stated): gnomAD 0.04350 and 0.04282; 1000 Genomes Project 0.02117; ESP Exome Variant Server 0.04853; 1000 Genomes Project 30x 0.02077; gnomAD exomes 0.04575 and 0.05750; ExAC 0.04756; TOPMed 0.03872.
gnomAD v4.1: 90,154 of 1,612,614 alleles (5.6%); highest among the groups gnomAD compares: Non-Finnish European, 6.4%; 2,799 homozygotes.

Submissions (4):

Labcorp Genetics (formerly Invitae), Labcorp
Classification: Benign. Last evaluated: 2026-02-03. Review status: criteria provided, single submitter. Criteria: Invitae Variant Classification Sherloc (09022015). Collection method: clinical testing. Allele origin: germline.

Eurofins Ntd Llc (ga)
Classification: Benign. Last evaluated: 2016-03-08. Review status: criteria provided, single submitter. Criteria: EGL Classification Definitions 2015. Collection method: clinical testing. Allele origin: germline. Observed: 6 variant alleles, 5 heterozygotes, 1 homozygote.

GeneDx
Classification: Benign. Last evaluated: 2012-03-06. Review status: criteria provided, single submitter. Criteria: GeneDx Variant Classification (06012015). Collection method: clinical testing. Allele origin: germline. Affected: yes.
Comment: This variant is considered likely benign or benign based on one or more of the following criteria: it is a conservative change, it occurs at a poorly conserved position in the protein, it is predicted to be benign by multiple in silico algorithms, and/or has population frequency not consistent with disease.

Breakthrough Genomics
Classification: Benign. Review status: criteria provided, single submitter. Criteria: ACMG Guidelines, 2015. Collection method: not provided. Allele origin: germline. Inheritance: Autosomal dominant inheritance. Affected: yes.